The following is an entry in ClinVar:

NM_018319.4(TDP1):c.1131+1del

Gene: TDP1 (tyrosyl-DNA phosphodiesterase 1; plus strand). Cytogenetic location: 14q32.11.
Variant type: Deletion.
Coding change: c.1131+1del on transcript NM_018319.4 (MANE Select); the canonical splice donor site of the intron after coding-DNA position 1131, one base deleted (G; older notation c.1131+1delG).
Molecular consequence: splice donor variant.
Genome position (GRCh38, 1-based): chr14:89,985,211, G deleted; the last of 2 consecutive G bases (chr14:89,985,210-89,985,211); deleting either gives the same sequence. VCF-style (leftmost placement, unchanged base first): chr14-89985209-AG-A. GRCh37 (hg19) VCF-style: chr14-90451553-AG-A.
Other names: c.1131+1del (NM_001330205.2, NM_001008744.2).
Identifiers: ClinVar variation 4880599 (VCV004880599.2).

ClinVar aggregate classification (germline): Likely pathogenic (1 of 4 stars; one submission).

Submission:

Dasa
Classification: Likely pathogenic. Last evaluated: 2025-12-11. Review status: criteria provided, single submitter. Criteria: DASA Assertion Criteria. Collection method: clinical testing. Allele origin: germline.
Comment: NM_018319.4(TDP1):c.1131+1del affects a canonical splice site and is predicted to disrupt normal RNA splicing. Loss of function is an established disease mechanism for TDP1-associated disorders. Also, this variant is rare in population databases. Based on the currently available evidence, this variant is classified as likely pathogenic.